The following is an entry in ClinVar:

ClinVar aggregate classification (germline): Uncertain significance. Review status: criteria provided, multiple submitters, no conflicts (2 of 4 stars). 2 submissions from 2 submitters: Uncertain significance (2). Last evaluated 2024-09-18.

Conditions:
Rienhoff syndrome. Also called: LOEYS-DIETZ SYNDROME 5. Identifiers: MedGen C3810012, MONDO:0014262, OMIM 615582.

Submissions (2):

GeneDx
Classification: Uncertain significance. Last evaluated: 2024-09-18. Review status: criteria provided, single submitter. Criteria: GeneDx Variant Classification Process June 2021. Collection method: clinical testing. Allele origin: germline. Affected: yes.
Comment: Not observed at significant frequency in large population cohorts (gnomAD); Stop codon loss and change to an arginine codon, leading to protein extension and the addition of 16 amino acids at the C-terminus; Has not been previously published as pathogenic or benign to our knowledge

Labcorp Genetics (formerly Invitae), Labcorp
Classification: Uncertain significance for Rienhoff syndrome. Last evaluated: 2024-04-16. Review status: criteria provided, single submitter. Criteria: Invitae Variant Classification Sherloc (09022015). Collection method: clinical testing. Allele origin: germline.
Comment: This sequence change disrupts the translational stop signal of the TGFB3 mRNA. It is expected to extend the length of the TGFB3 protein by 16 additional amino acid residues. This variant is not present in population databases (gnomAD no frequency). This variant has not been reported in the literature in individuals affected with TGFB3-related conditions. In summary, the available evidence is currently insufficient to determine the role of this variant in disease. Therefore, it has been classified as a Variant of Uncertain Significance.

NM_003239.5(TGFB3):c.1237T>C (p.Ter413Arg)

Gene: TGFB3 (transforming growth factor beta 3; minus strand). Cytogenetic location: 14q24.3.
Variant type: single nucleotide variant.
Coding change: c.1237T>C on transcript NM_003239.5 (MANE Select); coding-DNA position 1237, T replaced by C.
Protein change: p.Ter413Arg.
Molecular consequence: stop lost.
Genome position (GRCh38, 1-based): chr14:75,959,189, A>G on the plus strand (T>C on the coding strand, the complement: TGFB3 is on the minus strand). VCF-style: chr14-75959189-A-G. GRCh37 (hg19) VCF-style: chr14-76425532-A-G.
Other names: c.1237T>C, p.Ter413Arg (NM_001329939.2).
Identifiers: ClinVar variation 2765877 (VCV002765877.4), dbSNP rs1177558814, ClinGen allele CA390466571.